The following is an entry in ClinVar:

ClinVar aggregate classification (germline): Uncertain significance (1 of 4 stars; one submission).

gnomAD v4.1: 2 of 1,613,982 alleles (0.00012%); highest among the groups gnomAD compares: Non-Finnish European, 0.00017%; no homozygotes.

Submission:

Labcorp Genetics (formerly Invitae), Labcorp
Classification: Uncertain significance. Last evaluated: 2021-12-02. Review status: criteria provided, single submitter. Criteria: Invitae Variant Classification Sherloc (09022015). Collection method: clinical testing. Allele origin: germline.
Comment: In summary, the available evidence is currently insufficient to determine the role of this variant in disease. Therefore, it has been classified as a Variant of Uncertain Significance. Experimental studies and prediction algorithms are not available or were not evaluated, and the functional significance of this variant is currently unknown. This variant has not been reported in the literature in individuals affected with COL18A1-related conditions. This variant is not present in population databases (gnomAD no frequency). This sequence change replaces asparagine, which is neutral and polar, with lysine, which is basic and polar, at codon 24 of the COL18A1 protein (p.Asn24Lys). The COL18A1 gene has multiple clinically relevant transcripts. This variant occurs in alternate transcript NM_030582.4, and corresponds to NM_130445.3:c.107-12640C>A in the primary transcript.

NM_001379500.1(COL18A1):c.107-12640C>A

Gene: COL18A1 (collagen type XVIII alpha 1 chain; plus strand). Cytogenetic location: 21q22.3.
Variant type: single nucleotide variant.
Coding change: c.107-12640C>A on transcript NM_001379500.1 (MANE Select); 12640 bases into the intron before coding-DNA position 107, C replaced by A.
Molecular consequence: intron variant. On other transcripts: missense variant (2).
Genome position (GRCh38, 1-based): chr21:45,455,602, C>A. VCF-style: chr21-45455602-C-A. GRCh37 (hg19) VCF-style: chr21-46875516-C-A.
Other names: c.72C>A, p.Asn24Lys (NM_030582.4, NM_130444.3); short protein forms N24K.
Identifiers: ClinVar variation 1361907 (VCV001361907.6), dbSNP rs767332921, ClinGen allele CA410505071.